The following is an entry in ClinVar:

ClinVar aggregate classification (germline): Uncertain significance (1 of 4 stars; one submission).

Conditions:
Inborn genetic diseases. Identifiers: MedGen C0950123, MeSH D030342.

gnomAD v4.1: 1 of 1,613,844 alleles (0.000062%); highest among the groups gnomAD compares: Non-Finnish European, 0.000085%; no homozygotes.

Submission:

Ambry Genetics
Classification: Uncertain significance for Inborn genetic diseases. Last evaluated: 2025-06-07. Review status: criteria provided, single submitter. Criteria: Ambry Variant Classification Scheme 2023. Collection method: clinical testing. Allele origin: germline.
Comment: The p.L1211I variant (also known as c.3631C>A), located in coding exon 37 of the FANCA gene, results from a C to A substitution at nucleotide position 3631. The leucine at codon 1211 is replaced by isoleucine, an amino acid with highly similar properties. This amino acid position is conserved. In addition, this alteration is predicted to be tolerated by in silico analysis. Based on the available evidence, the clinical significance of this variant remains unclear.

NM_000135.4(FANCA):c.3631C>A (p.Leu1211Ile)

Gene: FANCA (FA complementation group A; minus strand). Cytogenetic location: 16q24.3.
Variant type: single nucleotide variant.
Coding change: c.3631C>A on transcript NM_000135.4 (MANE Select); coding-DNA position 3631, C replaced by A.
Protein change: p.Leu1211Ile; replaces leucine 1211 with isoleucine.
Molecular consequence: missense variant.
Genome position (GRCh38, 1-based): chr16:89,742,934, G>T on the plus strand (C>A on the coding strand, the complement: FANCA is on the minus strand). VCF-style: chr16-89742934-G-T. GRCh37 (hg19) VCF-style: chr16-89809342-G-T.
Other names: c.3631C>A, p.Leu1211Ile (NM_001286167.3); short protein forms L1211I.
Identifiers: ClinVar variation 4022353 (VCV004022353.1).